The following is an entry in ClinVar:

ClinVar aggregate classification (germline): Benign/Likely benign. Review status: criteria provided, multiple submitters, no conflicts (2 of 4 stars). 5 submissions from 5 submitters: Benign (3); Likely benign (1). 1 of the submissions does not count toward it. Last evaluated 2026-02-02.

Conditions:
Choroideremia. Also called: Chorioretinal scalloped atrophy. Identifiers: Orphanet 180, MedGen C0008525, MONDO:0010557, OMIM 303100, HP:0001139.

Allele frequency attached by ClinVar (database versions not stated): gnomAD exomes 0.00102 and 0.00263; ExAC 0.00325; gnomAD 0.00835 and 0.00895; ESP Exome Variant Server 0.00985; TOPMed 0.01009; 1000 Genomes Project 0.01139; 1000 Genomes Project 30x 0.01165.
gnomAD v4.1: 2,122 of 1,204,488 alleles (0.18%); highest among the groups gnomAD compares: African/African-American, 2.8%; 19 homozygotes.

Submissions (5):

Labcorp Genetics (formerly Invitae), Labcorp
Classification: Benign. Last evaluated: 2026-02-02. Review status: criteria provided, single submitter. Criteria: Invitae Variant Classification Sherloc (09022015). Collection method: clinical testing. Allele origin: germline.

CeGaT Center for Human Genetics Tuebingen
Classification: Benign. Last evaluated: 2026-01-01. Review status: criteria provided, single submitter. Criteria: CeGaT Center For Human Genetics Tuebingen Variant Classification Criteria Version 2. Collection method: clinical testing. Allele origin: germline. Affected: yes. Observed: 1 variant allele.
Comment: CHM: BS1, BS2

Blueprint Genetics
Classification: Likely benign. Last evaluated: 2024-11-27. Review status: criteria provided, single submitter. Criteria: ACMG Guidelines, 2015. Collection method: clinical testing. Allele origin: germline.

Breakthrough Genomics
Classification: Benign. Review status: criteria provided, single submitter. Criteria: ACMG Guidelines, 2015. Collection method: not provided. Allele origin: germline. Inheritance: X-linked inheritance. Affected: yes.

Natera, Inc.
Classification: Benign for Choroideremia. Last evaluated: 2020-06-07. Review status: no assertion criteria provided. Collection method: clinical testing. Allele origin: germline. Not counted in ClinVar's aggregate classification.

NM_000390.4(CHM):c.238C>T (p.Leu80Phe)

Gene: CHM (CHM Rab escort protein; minus strand). Cytogenetic location: Xq21.2.
Variant type: single nucleotide variant.
Coding change: c.238C>T on transcript NM_000390.4 (MANE Select); coding-DNA position 238, C replaced by T.
Protein change: p.Leu80Phe; replaces leucine 80 with phenylalanine.
Molecular consequence: missense variant. On other transcripts: 5 prime UTR variant (4).
Genome position (GRCh38, 1-based): chrX:85,978,843, G>A on the plus strand (C>T on the coding strand, the complement: CHM is on the minus strand). VCF-style: chrX-85978843-G-A. GRCh37 (hg19) VCF-style: chrX-85233847-G-A.
Other names: c.238C>T, p.Leu80Phe (NM_001145414.4); c.-207C>T (NM_001320959.1, NM_001362517.1); c.-203C>T (NM_001362518.2, NM_001362519.1); short protein forms L80F.
Identifiers: ClinVar variation 698157 (VCV000698157.18), dbSNP rs55741408, ClinGen allele CA10465619.